The following is an entry in ClinVar:

ClinVar aggregate classification (germline): Likely pathogenic (1 of 4 stars; one submission).

Conditions:
Choroideremia. Also called: Chorioretinal scalloped atrophy. Identifiers: Orphanet 180, MedGen C0008525, MONDO:0010557, OMIM 303100, HP:0001139.

Submission:

Centre for Mendelian Genomics, University Medical Centre Ljubljana
Classification: Likely pathogenic for Choroideremia. Last evaluated: 2016-01-01. Review status: criteria provided, single submitter. Criteria: ACMG Guidelines, 2015. Collection method: clinical testing. Allele origin: unknown. Affected: yes.
Comment: This variant was classified as: Likely pathogenic. The following ACMG criteria were applied in classifying this variant: PVS1,PM2. This variant was detected in hemizygous state.

NM_000390.4(CHM):c.539del (p.Asn180fs)

Gene: CHM (CHM Rab escort protein; minus strand). Cytogenetic location: Xq21.2.
Variant type: Deletion.
Coding change: c.539del on transcript NM_000390.4 (MANE Select); coding-DNA position 539, one base deleted (A; older notation c.539delA).
Protein change: p.Asn180fs; shifts the reading frame from asparagine 180.
Molecular consequence: frameshift variant.
Genome position (GRCh38, 1-based): chrX:85,963,828, T deleted on the plus strand (A on the coding strand, the reverse complement: CHM is on the minus strand); the first of 4 consecutive T bases (chrX:85,963,828-85,963,831); deleting any one gives the same sequence. VCF-style (leftmost placement, unchanged base first): chrX-85963827-GT-G. GRCh37 (hg19) VCF-style: chrX-85218832-GT-G.
Other names: c.95del, p.Asn32fs (NM_001320959.1, NM_001362517.1, NM_001362518.2 and 1 more transcripts); short protein forms N180fs, N32fs.
Identifiers: ClinVar variation 930991 (VCV000930991.3), dbSNP rs1930424354, ClinGen allele CA1139667679.